The following is an entry in ClinVar:

ClinVar aggregate classification (germline): Uncertain significance. Review status: criteria provided, multiple submitters, no conflicts (2 of 4 stars). 3 submissions from 3 submitters: Uncertain significance (3). Last evaluated 2023-01-10.

Conditions:
Inborn genetic diseases. Identifiers: MedGen C0950123, MeSH D030342.
Hereditary sensory and autonomic neuropathy type 7. Also called: HSAN VII; Neuropathy, hereditary sensory and autonomic, type VII. Identifiers: Orphanet 391397, MedGen C3809882, MONDO:0014244, OMIM 615548.
Familial episodic pain syndrome with predominantly lower limb involvement. Also called: Episodic pain syndrome, familial, 3. Identifiers: Orphanet 391384, Orphanet 391392, MedGen C3809899, MONDO:0014247, OMIM 615552.

Allele frequency attached by ClinVar (database versions not stated): gnomAD exomes below 0.00001.
gnomAD v4.1: 5 of 1,596,480 alleles (0.00031%); highest among the groups gnomAD compares: Non-Finnish European, 0.00043%; no homozygotes.

Submissions (3):

Labcorp Genetics (formerly Invitae), Labcorp
Classification: Uncertain significance for Familial episodic pain syndrome with predominantly lower limb involvement; Hereditary sensory and autonomic neuropathy type 7. Last evaluated: 2023-01-10. Review status: criteria provided, single submitter. Criteria: Invitae Variant Classification Sherloc (09022015). Collection method: clinical testing. Allele origin: germline.
Comment: In summary, the available evidence is currently insufficient to determine the role of this variant in disease. Therefore, it has been classified as a Variant of Uncertain Significance. Advanced modeling of protein sequence and biophysical properties (such as structural, functional, and spatial information, amino acid conservation, physicochemical variation, residue mobility, and thermodynamic stability) performed at Invitae indicates that this missense variant is not expected to disrupt SCN11A protein function. ClinVar contains an entry for this variant (Variation ID: 1309962). This variant has not been reported in the literature in individuals affected with SCN11A-related conditions. This variant is present in population databases (no rsID available, gnomAD 0.0009%). This sequence change replaces methionine, which is neutral and non-polar, with isoleucine, which is neutral and non-polar, at codon 92 of the SCN11A protein (p.Met92Ile).

Ambry Genetics
Classification: Uncertain significance for Inborn genetic diseases. Last evaluated: 2022-06-29. Review status: criteria provided, single submitter. Criteria: Ambry Variant Classification Scheme 2023. Collection method: clinical testing. Allele origin: germline.
Comment: The p.M92I variant (also known as c.276G>T), located in coding exon 2 of the SCN11A gene, results from a G to T substitution at nucleotide position 276. The methionine at codon 92 is replaced by isoleucine, an amino acid with highly similar properties. This amino acid position is conserved. In addition, the in silico prediction for this alteration is inconclusive. Since supporting evidence is limited at this time, the clinical significance of this alteration remains unclear.

GeneDx
Classification: Uncertain significance. Last evaluated: 2019-11-07. Review status: criteria provided, single submitter. Criteria: GeneDx Variant Classification Process June 2021. Collection method: clinical testing. Allele origin: germline. Affected: yes.
Comment: In silico analysis, which includes protein predictors and evolutionary conservation, supports that this variant does not alter protein structure/function; Has not been previously published as pathogenic or benign to our knowledge

NM_001349253.2(SCN11A):c.276G>T (p.Met92Ile)

Gene: SCN11A (sodium voltage-gated channel alpha subunit 11; minus strand). Cytogenetic location: 3p22.2.
Variant type: single nucleotide variant.
Coding change: c.276G>T on transcript NM_001349253.2 (MANE Select); coding-DNA position 276, G replaced by T.
Protein change: p.Met92Ile; replaces methionine 92 with isoleucine.
Molecular consequence: missense variant.
Genome position (GRCh38, 1-based): chr3:38,946,899, C>A on the plus strand (G>T on the coding strand, the complement: SCN11A is on the minus strand). VCF-style: chr3-38946899-C-A. GRCh37 (hg19) VCF-style: chr3-38988390-C-A.
Other names: c.276G>T, p.Met92Ile (NM_014139.3); short protein forms M92I.
Identifiers: ClinVar variation 1309962 (VCV001309962.7), dbSNP rs1378126936, ClinGen allele CA352175715.